The following is an entry in ClinVar:

ClinVar aggregate classification (germline): Uncertain significance (1 of 4 stars; one submission).

gnomAD v4.1: 1 of 1,614,228 alleles (0.000062%); highest among the groups gnomAD compares: Non-Finnish European, 0.000085%; no homozygotes.

Submission:

Labcorp Genetics (formerly Invitae), Labcorp
Classification: Uncertain significance. Last evaluated: 2025-02-28. Review status: criteria provided, single submitter. Criteria: Invitae Variant Classification Sherloc (09022015). Collection method: clinical testing. Allele origin: germline.
Comment: This sequence change replaces methionine, which is neutral and non-polar, with valine, which is neutral and non-polar, at codon 478 of the SH3PXD2B protein (p.Met478Val). This variant is not present in population databases (gnomAD no frequency). This variant has not been reported in the literature in individuals affected with SH3PXD2B-related conditions. An algorithm developed to predict the effect of missense changes on protein structure and function outputs the following: PolyPhen-2: "Benign". The valine amino acid residue is found in multiple mammalian species, which suggests that this missense change does not adversely affect protein function. In summary, the available evidence is currently insufficient to determine the role of this variant in disease. Therefore, it has been classified as a Variant of Uncertain Significance.

NM_001017995.3(SH3PXD2B):c.1432A>G (p.Met478Val)

Gene: SH3PXD2B (SH3 and PX domains 2B; minus strand). Cytogenetic location: 5q35.1.
Variant type: single nucleotide variant.
Coding change: c.1432A>G on transcript NM_001017995.3 (MANE Select); coding-DNA position 1432, A replaced by G.
Protein change: p.Met478Val; replaces methionine 478 with valine.
Molecular consequence: missense variant. On other transcripts: intron variant (1).
Genome position (GRCh38, 1-based): chr5:172,339,673, T>C on the plus strand (A>G on the coding strand, the complement: SH3PXD2B is on the minus strand). VCF-style: chr5-172339673-T-C. GRCh37 (hg19) VCF-style: chr5-171766677-T-C.
Other names: c.1188+6463A>G (NM_001308175.2); short protein forms M478V.
Identifiers: ClinVar variation 3726741 (VCV003726741.2).